The following is an entry in ClinVar:

NM_012262.4(HS2ST1):c.657G>A (p.Pro219=)

Gene: HS2ST1 (heparan sulfate 2-O-sulfotransferase 1; plus strand). Cytogenetic location: 1p22.3.
Variant type: single nucleotide variant.
Coding change: c.657G>A on transcript NM_012262.4 (MANE Select); coding-DNA position 657, G replaced by A.
Protein change: p.Pro219=; no amino-acid change (proline 219 retained).
Molecular consequence: synonymous variant.
Genome position (GRCh38, 1-based): chr1:87,097,906, G>A. VCF-style: chr1-87097906-G-A. GRCh37 (hg19) VCF-style: chr1-87563589-G-A.
Other names: c.657G>A, p.Pro219= (NM_001134492.2).
Identifiers: ClinVar variation 3025006 (VCV003025006.22), dbSNP rs752107517, ClinGen allele CA936858.

ClinVar aggregate classification (germline): Likely benign (1 of 4 stars; one submission).

Allele frequency attached by ClinVar (database versions not stated): ExAC 0.00003.
gnomAD v4.1: 53 of 1,613,902 alleles (0.0033%); highest among the groups gnomAD compares: Non-Finnish European, 0.0041%; no homozygotes.

Submission:

CeGaT Center for Human Genetics Tuebingen
Classification: Likely benign. Last evaluated: 2024-02-01. Review status: criteria provided, single submitter. Criteria: CeGaT Center For Human Genetics Tuebingen Variant Classification Criteria Version 2. Collection method: clinical testing. Allele origin: germline. Affected: yes. Observed: 1 variant allele.
Comment: HS2ST1: BP4, BP7